The following is an entry in ClinVar:

NM_001128840.3(CACNA1D):c.4873C>G (p.Gln1625Glu)

Gene: CACNA1D (calcium voltage-gated channel subunit alpha1 D; plus strand). Cytogenetic location: 3p21.1.
Variant type: single nucleotide variant.
Coding change: c.4873C>G on transcript NM_001128840.3 (MANE Select); coding-DNA position 4873, C replaced by G.
Protein change: p.Gln1625Glu; replaces glutamine 1625 with glutamic acid.
Molecular consequence: missense variant.
Genome position (GRCh38, 1-based): chr3:53,786,902, C>G. VCF-style: chr3-53786902-C-G. GRCh37 (hg19) VCF-style: chr3-53820929-C-G.
Other names: c.4933C>G, p.Gln1645Glu (NM_000720.4); c.4828C>G, p.Gln1610Glu (NM_001128839.3); short protein forms Q1610E, Q1625E, Q1645E.
Identifiers: ClinVar variation 3027125 (VCV003027125.22), dbSNP rs2474342499, ClinGen allele CA353247308.

ClinVar aggregate classification (germline): Uncertain significance (1 of 4 stars; one submission).

Submission:

CeGaT Center for Human Genetics Tuebingen
Classification: Uncertain significance. Last evaluated: 2024-02-01. Review status: criteria provided, single submitter. Criteria: CeGaT Center For Human Genetics Tuebingen Variant Classification Criteria Version 2. Collection method: clinical testing. Allele origin: germline. Affected: yes. Observed: 1 variant allele.
Comment: CACNA1D: PM2